The following is an entry in ClinVar:

ClinVar aggregate classification (germline): Uncertain significance (1 of 4 stars; one submission).

Submission:

GeneDx
Classification: Uncertain significance. Last evaluated: 2025-05-29. Review status: criteria provided, single submitter. Criteria: GeneDx Variant Classification Process June 2021. Collection method: clinical testing. Allele origin: germline. Affected: yes.
Comment: Not observed at significant frequency in large population cohorts (gnomAD); In silico analysis supports that this missense variant has a deleterious effect on protein structure/function; Has not been previously published as pathogenic or benign to our knowledge

NM_138383.3(MTSS2):c.2065G>C (p.Gly689Arg)

Gene: MTSS2 (MTSS I-BAR domain containing 2; minus strand). Cytogenetic location: 16q22.1.
Variant type: single nucleotide variant.
Coding change: c.2065G>C on transcript NM_138383.3 (MANE Select); coding-DNA position 2065, G replaced by C.
Protein change: p.Gly689Arg; replaces glycine 689 with arginine.
Molecular consequence: missense variant.
Genome position (GRCh38, 1-based): chr16:70,663,856, C>G on the plus strand (G>C on the coding strand, the complement: MTSS2 is on the minus strand). VCF-style: chr16-70663856-C-G. GRCh37 (hg19) VCF-style: chr16-70697759-C-G.
Other names: short protein forms G689R.
Identifiers: ClinVar variation 4532386 (VCV004532386.1).